The following is an entry in ClinVar:

ClinVar aggregate classification (germline): Pathogenic (1 of 4 stars; one submission).

Conditions:
Hereditary insensitivity to pain with anhidrosis (CIPA). Also called: FAMILIAL DYSAUTONOMIA, TYPE II; INSENSITIVITY TO PAIN, CONGENITAL, WITH ANHIDROSIS; NEUROPATHY, CONGENITAL SENSORY, WITH ANHIDROSIS; NTRK1 Congenital Insensitivity to Pain with Anhidrosis; HSAN Type IV; hereditary sensory and autonomic neuropathy type 4. Identifiers: Orphanet 642, MedGen C0020074, MONDO:0009746, OMIM 256800.

Submission:

Labcorp Genetics (formerly Invitae), Labcorp
Classification: Pathogenic for Hereditary insensitivity to pain with anhidrosis. Last evaluated: 2025-05-04. Review status: criteria provided, single submitter. Criteria: Invitae Variant Classification Sherloc (09022015). Collection method: clinical testing. Allele origin: germline.
Comment: This sequence change creates a premature translational stop signal (p.Cys154Trpfs*19) in the NTRK1 gene. It is expected to result in an absent or disrupted protein product. Loss-of-function variants in NTRK1 are known to be pathogenic (PMID: 10982191). This variant is not present in population databases (gnomAD no frequency). This variant has not been reported in the literature in individuals affected with NTRK1-related conditions. ClinVar contains an entry for this variant (Variation ID: 3021842). For these reasons, this variant has been classified as Pathogenic.

Literature cited by the submitters: PubMed 10982191.

NM_002529.4(NTRK1):c.461dup (p.Cys154fs)

Gene: NTRK1 (neurotrophic receptor tyrosine kinase 1; plus strand). Cytogenetic location: 1q23.1.
Variant type: Duplication.
Coding change: c.461dup on transcript NM_002529.4 (MANE Select); coding-DNA position 461, one base duplicated (G; older notation c.461dupG).
Protein change: p.Cys154fs; shifts the reading frame from cysteine 154.
Molecular consequence: frameshift variant.
Genome position (GRCh38, 1-based): chr1:156,868,136, G duplicated. VCF-style (leftmost placement, unchanged base first): chr1-156868135-T-TG. GRCh37 (hg19) VCF-style: chr1-156837927-T-TG.
Other names: c.461dup, p.Cys154Trpfs (NM_001007204.1); c.371dup, p.Cys124fs (NM_001007792.1); c.461dup, p.Cys154fs (NM_001012331.2); short protein forms C124fs, C154fs.
Identifiers: ClinVar variation 3021842 (VCV003021842.3), dbSNP rs2525589888, ClinGen allele CA2740090266.